The following is an entry in ClinVar:

NM_173543.3(DZIP1L):c.586+3G>A

Gene: DZIP1L (DAZ interacting zinc finger protein 1 like; minus strand). Cytogenetic location: 3q22.3.
Variant type: single nucleotide variant.
Coding change: c.586+3G>A on transcript NM_173543.3 (MANE Select); 3 bases into the intron after coding-DNA position 586, G replaced by A.
Molecular consequence: intron variant.
Genome position (GRCh38, 1-based): chr3:138,097,760, C>T on the plus strand (G>A on the coding strand, the complement: DZIP1L is on the minus strand). VCF-style: chr3-138097760-C-T. GRCh37 (hg19) VCF-style: chr3-137816602-C-T.
Other names: c.586+3G>A (NM_001170538.1).
Identifiers: ClinVar variation 1400767 (VCV001400767.3), dbSNP rs764344589, ClinGen allele CA2635230.

ClinVar aggregate classification (germline): Uncertain significance (1 of 4 stars; one submission).

Allele frequency attached by ClinVar (database versions not stated): gnomAD exomes 0.00002 and 0.00004; ExAC 0.00005; gnomAD 0.00010 and 0.00011; TOPMed 0.00014.
gnomAD v4.1: 49 of 1,609,078 alleles (0.003%); highest among the groups gnomAD compares: Admixed American, 0.03%; no homozygotes.

Submission:

Labcorp Genetics (formerly Invitae), Labcorp
Classification: Uncertain significance. Last evaluated: 2022-08-22. Review status: criteria provided, single submitter. Criteria: Invitae Variant Classification Sherloc (09022015). Collection method: clinical testing. Allele origin: germline.
Comment: This sequence change falls in intron 3 of the DZIP1L gene. It does not directly change the encoded amino acid sequence of the DZIP1L protein. It affects a nucleotide within the consensus splice site. This variant is present in population databases (rs764344589, gnomAD 0.01%). This variant has not been reported in the literature in individuals affected with DZIP1L-related conditions. ClinVar contains an entry for this variant (Variation ID: 1400767). Variants that disrupt the consensus splice site are a relatively common cause of aberrant splicing (PMID: 17576681, 9536098). Algorithms developed to predict the effect of sequence changes on RNA splicing suggest that this variant is not likely to affect RNA splicing. In summary, the available evidence is currently insufficient to determine the role of this variant in disease. Therefore, it has been classified as a Variant of Uncertain Significance.

Literature cited by the submitters: PubMed 17576681; PubMed 9536098.